The following is an entry in ClinVar:

NM_000384.3(APOB):c.7028A>T (p.Glu2343Val)

Gene: APOB (apolipoprotein B; minus strand). Cytogenetic location: 2p24.1.
Variant type: single nucleotide variant.
Coding change: c.7028A>T on transcript NM_000384.3 (MANE Select); coding-DNA position 7028, A replaced by T.
Protein change: p.Glu2343Val; replaces glutamic acid 2343 with valine.
Molecular consequence: missense variant.
Genome position (GRCh38, 1-based): chr2:21,009,840, T>A on the plus strand (A>T on the coding strand, the complement: APOB is on the minus strand). VCF-style: chr2-21009840-T-A. GRCh37 (hg19) VCF-style: chr2-21232712-T-A.
Other names: c.7028A>T (NM_000384.2); short protein forms E2343V.
Identifiers: ClinVar variation 2923771 (VCV002923771.4), dbSNP rs202229735, ClinGen allele CA43504471.
Genomic context (GRCh38, chr2:21,009,840, plus strand): 5'-TCTACTAATTTATCCATTAAAACCTGGATTTGTTGGTCTACTTCATACCTCTCGATTAAC[T>A]CATGGACTTTGGCTCTGAAGGCATTGATTTTCTCAGCTACTTCAAAATCCCCAATAAGAT-3'
Protein context (NP_000375.3, residues 2333-2353): KINAFRAKVH[Glu2343Val]LIERYEVDQQ

ClinVar aggregate classification (germline): Conflicting classifications of pathogenicity. Review status: criteria provided, conflicting classifications (1 of 4 stars). 2 submissions from 2 submitters: Uncertain significance (1); Likely benign (1). Last evaluated 2024-03-06.

Conditions:
Hypercholesterolemia, autosomal dominant, type B (FHCL2). Also called: APOB-Related Familial Hypercholesterolemia, Autosomal Dominant; Familial Hypercholesterolemia Type B; APOLIPOPROTEIN B-100, FAMILIAL DEFECTIVE; APOLIPOPROTEIN B-100, FAMILIAL LIGAND-DEFECTIVE; HYPERCHOLESTEROLEMIA, FAMILIAL, DUE TO LIGAND-DEFECTIVE APOLIPOPROTEIN B; Hyperlipoproteinemia Type IIb. Identifiers: MedGen C1704417, MONDO:0007751, OMIM 144010.
Familial hypobetalipoproteinemia 1. Also called: Hypobetalipoproteinemia, normotriglyceridemic; Acanthocytosis with hypobetalipoproteinemia; APOB-Related Familial Hypobetalipoproteinemia. Identifiers: MedGen C4551990, MONDO:0014252, OMIM 615558.

Allele frequency attached by ClinVar (database versions not stated): gnomAD exomes below 0.00001.
gnomAD v4.1: 2 of 1,613,952 alleles (0.00012%); highest among the groups gnomAD compares: East Asian, 0.0045%; no homozygotes.

Submissions (2):

Labcorp Genetics (formerly Invitae), Labcorp
Classification: Likely benign for Familial hypobetalipoproteinemia 1; Hypercholesterolemia, autosomal dominant, type B. Last evaluated: 2024-03-06. Review status: criteria provided, single submitter. Criteria: Invitae Variant Classification Sherloc (09022015). Collection method: clinical testing. Allele origin: germline.

GeneDx
Classification: Uncertain significance. Last evaluated: 2024-01-18. Review status: criteria provided, single submitter. Criteria: GeneDx Variant Classification Process June 2021. Collection method: clinical testing. Allele origin: germline. Affected: yes.
Comment: Not observed at significant frequency in large population cohorts (gnomAD); In silico analysis supports that this missense variant has a deleterious effect on protein structure/function; Has not been previously published as pathogenic or benign to our knowledge; Also known as p.(E2316V)